The following is an entry in ClinVar:

NM_001008537.3(NEXMIF):c.2572A>T (p.Thr858Ser)

Gene: NEXMIF (neurite extension and migration factor; minus strand). Cytogenetic location: Xq13.3.
Variant type: single nucleotide variant.
Coding change: c.2572A>T on transcript NM_001008537.3 (MANE Select); coding-DNA position 2572, A replaced by T.
Protein change: p.Thr858Ser; replaces threonine 858 with serine.
Molecular consequence: missense variant.
Genome position (GRCh38, 1-based): chrX:74,741,985, T>A on the plus strand (A>T on the coding strand, the complement: NEXMIF is on the minus strand). VCF-style: chrX-74741985-T-A. GRCh37 (hg19) VCF-style: chrX-73961820-T-A.
Other names: short protein forms T858S.
Identifiers: ClinVar variation 3373042 (VCV003373042.2).

ClinVar aggregate classification (germline): Uncertain significance (1 of 4 stars; one submission).

gnomAD v4.1: 2 of 1,211,093 alleles (0.00017%); highest among the groups gnomAD compares: Non-Finnish European, 0.00011%; no homozygotes.

Submission:

GeneDx
Classification: Uncertain significance. Last evaluated: 2024-12-13. Review status: criteria provided, single submitter. Criteria: GeneDx Variant Classification Process June 2021. Collection method: clinical testing. Allele origin: germline. Affected: yes.
Comment: Not observed at significant frequency in large population cohorts (gnomAD); In silico analysis indicates that this missense variant does not alter protein structure/function; Has not been previously published as pathogenic or benign to our knowledge